The following is an entry in ClinVar:

NM_000302.4(PLOD1):c.1470+18A>G

Gene: PLOD1 (procollagen-lysine,2-oxoglutarate 5-dioxygenase 1; plus strand). Cytogenetic location: 1p36.22.
Variant type: single nucleotide variant.
Coding change: c.1470+18A>G on transcript NM_000302.4 (MANE Select); 18 bases into the intron after coding-DNA position 1470, A replaced by G.
Molecular consequence: intron variant.
Genome position (GRCh38, 1-based): chr1:11,964,803, A>G. VCF-style: chr1-11964803-A-G. GRCh37 (hg19) VCF-style: chr1-12024860-A-G.
Other names: c.1611+18A>G (NM_001316320.2).
Identifiers: ClinVar variation 3019252 (VCV003019252.5), dbSNP rs545524491, ClinGen allele CA598398.
Genomic context (GRCh38, chr1:11,964,803, plus strand): 5'-GCTGGACCCCGACATGGCCTTCTGTGCCAACATCCGGCAGCAGGTCAGCCAGGAGCGGGC[A>G]GCACAGGACGCCCTCTGGATGGGGCAGGCGGGAAGGTGGGCCTCCAGCTCTGACCCTCAT-3'

ClinVar aggregate classification (germline): Likely benign. Review status: criteria provided, multiple submitters, no conflicts (2 of 4 stars). 2 submissions from 2 submitters: Likely benign (2). Last evaluated 2026-01-19.

Conditions:
Ehlers-Danlos syndrome, kyphoscoliotic type 1 (EDSKSCL1). Also called: PLOD1-Related Kyphoscoliotic Ehlers-Danlos Syndrome; EHLERS-DANLOS SYNDROME, OCULAR-SCOLIOTIC TYPE; EHLERS-DANLOS SYNDROME, TYPE VIA; Ehlers-Danlos syndrome, hydroxylysine-deficient. Identifiers: Orphanet 1900, MedGen C0268342, MONDO:0016002, OMIM 225400. Disease mechanism: loss of function.

Allele frequency attached by ClinVar (database versions not stated): TOPMed 0.00001; gnomAD 0.00002; gnomAD exomes 0.00002; ExAC 0.00008; 1000 Genomes Project 30x 0.00016; 1000 Genomes Project 0.00020.
gnomAD v4.1: 34 of 1,613,184 alleles (0.0021%); highest among the groups gnomAD compares: South Asian, 0.02%; no homozygotes.

Submissions (2):

Labcorp Genetics (formerly Invitae), Labcorp
Classification: Likely benign for Ehlers-Danlos syndrome, kyphoscoliotic type 1. Last evaluated: 2026-01-19. Review status: criteria provided, single submitter. Criteria: Invitae Variant Classification Sherloc (09022015). Collection method: clinical testing. Allele origin: germline.

Women's Health and Genetics/Laboratory Corporation of America, LabCorp
Classification: Likely benign. Last evaluated: 2024-03-29. Review status: criteria provided, single submitter. Criteria: LabCorp Variant Classification Summary - May 2015. Collection method: clinical testing. Allele origin: germline.
Comment: Variant summary: PLOD1 c.1470+18A>G alters a nucleotide located at a position not widely known to affect splicing. Consensus agreement among computation tools predict no significant impact on normal splicing. However, these predictions have yet to be confirmed by functional studies. The variant allele was found at a frequency of 4.8e-05 in 250376 control chromosomes. This frequency is not significantly higher than estimated for a pathogenic variant in PLOD1 causing Ehlers-Danlos Syndrome Type VI (4.8e-05 vs 0.0016), allowing no conclusion about variant significance. To our knowledge, no occurrence of c.1470+18A>G in individuals affected with Ehlers-Danlos Syndrome Type VI and no experimental evidence demonstrating its impact on protein function have been reported. ClinVar contains an entry for this variant (Variation ID: 3019252). Based on the evidence outlined above, the variant was classified as likely benign.